The following is an entry in ClinVar:

NM_001199107.2(TBC1D24):c.400C>T (p.Leu134=)

Gene: TBC1D24 (TBC1 domain family member 24; plus strand). Cytogenetic location: 16p13.3.
Variant type: single nucleotide variant.
Coding change: c.400C>T on transcript NM_001199107.2 (MANE Select); coding-DNA position 400, C replaced by T.
Protein change: p.Leu134=; no amino-acid change (leucine 134 retained).
Molecular consequence: synonymous variant.
Genome position (GRCh38, 1-based): chr16:2,496,548, C>T. VCF-style: chr16-2496548-C-T. GRCh37 (hg19) VCF-style: chr16-2546549-C-T.
Other names: c.400C>T, p.Leu134= (NM_020705.3).
Identifiers: ClinVar variation 1629590 (VCV001629590.32), dbSNP rs2065741660, ClinGen allele CA493366643.

ClinVar aggregate classification (germline): Conflicting classifications of pathogenicity. Review status: criteria provided, conflicting classifications (1 of 4 stars). 2 submissions from 2 submitters: Uncertain significance (1); Likely benign (1). Last evaluated 2023-10-01.

Conditions:
Developmental and epileptic encephalopathy, 1 (DEE1). Also called: X-linked infantile spasms; West's syndrome; Tonic spasms with clustering, arrest of psychomotor development and hypsarrhythmia on EEG; X-Linked Infantile Spasm Syndrome; INFANTILE SPASM SYNDROME, X-LINKED 1; Epileptic encephalopathy, early infantile, 1. Identifiers: MedGen C3463992, MONDO:0010632, OMIM 308350. Disease mechanism: loss of function.
Autosomal dominant nonsyndromic hearing loss 65. Also called: Deafness, autosomal dominant 65; TBC1D24-Related Autosomal Dominant Nonsyndromic Hearing Loss (DFNA). Identifiers: Orphanet 90635, MedGen C3892048, MONDO:0014470, OMIM 616044.

Submissions (2):

CeGaT Center for Human Genetics Tuebingen
Classification: Uncertain significance. Last evaluated: 2023-10-01. Review status: criteria provided, single submitter. Criteria: CeGaT Center For Human Genetics Tuebingen Variant Classification Criteria Version 2. Collection method: clinical testing. Allele origin: germline. Affected: yes. Observed: 1 variant allele.
Comment: TBC1D24: PM2:Supporting, BP4

Labcorp Genetics (formerly Invitae), Labcorp
Classification: Likely benign for Developmental and epileptic encephalopathy, 1; Autosomal dominant nonsyndromic hearing loss 65. Last evaluated: 2022-08-10. Review status: criteria provided, single submitter. Criteria: Invitae Variant Classification Sherloc (09022015). Collection method: clinical testing. Allele origin: germline.